The following is an entry in ClinVar:

ClinVar aggregate classification (germline): Likely benign. Review status: criteria provided, multiple submitters, no conflicts (2 of 4 stars). 2 submissions from 2 submitters: Likely benign (2). Last evaluated 2025-11-05.

Conditions:
Ataxia-telangiectasia syndrome (AT). Also called: Ataxia telangiectasia (A-T); Ataxia-telangiectasia, complementation group D; ATAXIA-TELANGIECTASIA, COMPLEMENTATION GROUP A; ATAXIA-TELANGIECTASIA, FRESNO VARIANT; Ataxia-telangiectasia, complementation group E; LOUIS-BAR SYNDROME. Identifiers: Orphanet 100, MedGen C0004135, MONDO:0008840, OMIM 208900.
Familial cancer of breast. Also called: Hereditary breast cancer; hereditary breast carcinoma; BREAST CANCER, FAMILIAL. Identifiers: Orphanet 227535, MedGen C0346153, MONDO:0016419, OMIM 114480. Disease mechanism: loss of function.

Allele frequency attached by ClinVar (database versions not stated): TOPMed below 0.00001; ExAC 0.00017.

Submissions (2):

Labcorp Genetics (formerly Invitae), Labcorp
Classification: Likely benign for Ataxia-telangiectasia syndrome. Last evaluated: 2025-11-05. Review status: criteria provided, single submitter. Criteria: Invitae Variant Classification Sherloc (09022015). Collection method: clinical testing. Allele origin: germline.

Myriad Genetics, Inc.
Classification: Likely benign for Familial cancer of breast. Last evaluated: 2024-04-24. Review status: criteria provided, single submitter. Criteria: Myriad Autosomal Dominant, Autosomal Recessive and X-Linked Classification Criteria (2023). Collection method: clinical testing. Allele origin: unknown.
Comment: This variant is considered likely benign. This variant is intronic and is not expected to impact mRNA splicing.

NM_000051.4(ATM):c.1066-19A>T

Gene: ATM (ATM serine/threonine kinase; plus strand). Cytogenetic location: 11q22.3.
Variant type: single nucleotide variant.
Coding change: c.1066-19A>T on transcript NM_000051.4 (MANE Select); 19 bases into the intron before coding-DNA position 1066, A replaced by T.
Molecular consequence: intron variant.
Genome position (GRCh38, 1-based): chr11:108,248,914, A>T. VCF-style: chr11-108248914-A-T. GRCh37 (hg19) VCF-style: chr11-108119641-A-T.
Other names: c.1066-19A>T (NM_001351834.2).
Identifiers: ClinVar variation 2991162 (VCV002991162.4), dbSNP rs749274576, ClinGen allele CA6264757.